The following is an entry in ClinVar:

ClinVar aggregate classification (germline): Uncertain significance (1 of 4 stars; one submission).

Allele frequency attached by ClinVar (database versions not stated): TOPMed below 0.00001; gnomAD 0.00001; gnomAD exomes 0.00002.
gnomAD v4.1: 27 of 1,473,626 alleles (0.0018%); highest among the groups gnomAD compares: East Asian, 0.0026%; no homozygotes.

Submission:

Labcorp Genetics (formerly Invitae), Labcorp
Classification: Uncertain significance. Last evaluated: 2024-04-09. Review status: criteria provided, single submitter. Criteria: Invitae Variant Classification Sherloc (09022015). Collection method: clinical testing. Allele origin: germline.
Comment: This sequence change replaces alanine, which is neutral and non-polar, with threonine, which is neutral and polar, at codon 131 of the LEMD3 protein (p.Ala131Thr). The frequency data for this variant in the population databases is considered unreliable, as metrics indicate poor data quality at this position in the gnomAD database. This variant has not been reported in the literature in individuals affected with LEMD3-related conditions. ClinVar contains an entry for this variant (Variation ID: 1477341). Advanced modeling of protein sequence and biophysical properties (such as structural, functional, and spatial information, amino acid conservation, physicochemical variation, residue mobility, and thermodynamic stability) performed at Invitae indicates that this missense variant is not expected to disrupt LEMD3 protein function with a negative predictive value of 80%. In summary, the available evidence is currently insufficient to determine the role of this variant in disease. Therefore, it has been classified as a Variant of Uncertain Significance.

NM_014319.5(LEMD3):c.391G>A (p.Ala131Thr)

Genes: LEMD3 (LEM domain containing 3; plus strand), LOC130008224 (ATAC-STARR-seq lymphoblastoid silent region 4630; plus strand). Cytogenetic location: 12q14.3.
Variant type: single nucleotide variant.
Coding change: c.391G>A on transcript NM_014319.5 (MANE Select); coding-DNA position 391, G replaced by A.
Protein change: p.Ala131Thr; replaces alanine 131 with threonine.
Molecular consequence: missense variant.
Genome position (GRCh38, 1-based): chr12:65,169,987, G>A. VCF-style: chr12-65169987-G-A. GRCh37 (hg19) VCF-style: chr12-65563767-G-A.
Other names: c.391G>A, p.Ala131Thr (NM_001167614.2); short protein forms A131T.
Identifiers: ClinVar variation 1477341 (VCV001477341.6), dbSNP rs1454800295, ClinGen allele CA385672896.